The following is an entry in ClinVar:

NM_015662.3(IFT172):c.4462A>G (p.Met1488Val)

Gene: IFT172 (intraflagellar transport 172; minus strand). Cytogenetic location: 2p23.3.
Variant type: single nucleotide variant.
Coding change: c.4462A>G on transcript NM_015662.3 (MANE Select); coding-DNA position 4462, A replaced by G.
Protein change: p.Met1488Val; replaces methionine 1488 with valine.
Molecular consequence: missense variant.
Genome position (GRCh38, 1-based): chr2:27,447,889, T>C on the plus strand (A>G on the coding strand, the complement: IFT172 is on the minus strand). VCF-style: chr2-27447889-T-C. GRCh37 (hg19) VCF-style: chr2-27670756-T-C.
Other names: c.4396A>G, p.Met1466Val (NM_001410739.1); c.4462A>G (NM_015662.1); short protein forms M1466V, M1488V.
Identifiers: ClinVar variation 3343551 (VCV003343551.3).

ClinVar aggregate classification (germline): Uncertain significance. Review status: criteria provided, multiple submitters, no conflicts (2 of 4 stars). 3 submissions from 3 submitters: Uncertain significance (3). Last evaluated 2024-10-08.

Conditions:
Bardet-Biedl syndrome 20. Identifiers: MedGen C4310707, MONDO:0023670, OMIM 619471, MONDO:0014926.
Short-rib thoracic dysplasia 10 with or without polydactyly (SRTD10). Identifiers: Orphanet 474, MedGen C3810175, MONDO:0014284, OMIM 615630.
Retinitis pigmentosa 71 (RP71). Identifiers: Orphanet 791, MedGen C4225342, MONDO:0014618, OMIM 616394.
Inborn genetic diseases. Identifiers: MedGen C0950123, MeSH D030342.

Submissions (3):

Ambry Genetics
Classification: Uncertain significance for Inborn genetic diseases. Last evaluated: 2024-10-08. Review status: criteria provided, single submitter. Criteria: Ambry Variant Classification Scheme 2023. Collection method: clinical testing. Allele origin: germline.

Fulgent Genetics
Classification: Uncertain significance for Short-rib thoracic dysplasia 10 with or without polydactyly; Retinitis pigmentosa 71; Bardet-Biedl syndrome 20. Last evaluated: 2024-04-10. Review status: criteria provided, single submitter. Criteria: ACMG Guidelines, 2015. Collection method: clinical testing. Allele origin: germline.

GeneDx
Classification: Uncertain significance. Last evaluated: 2023-05-31. Review status: criteria provided, single submitter. Criteria: GeneDx Variant Classification Process June 2021. Collection method: clinical testing. Allele origin: germline. Affected: yes.
Comment: Not observed at significant frequency in large population cohorts (gnomAD); In silico analysis supports that this missense variant does not alter protein structure/function; Has not been previously published as pathogenic or benign to our knowledge